The following is an entry in ClinVar:

NM_001953.5(TYMP):c.1393G>A (p.Ala465Thr)

Genes: SCO2 (synthesis of cytochrome C oxidase 2; minus strand), TYMP (thymidine phosphorylase; minus strand), LOC130067862 (ATAC-STARR-seq lymphoblastoid silent region 13986; plus strand). Cytogenetic location: 22q13.33.
Variant type: single nucleotide variant.
Coding change: c.1393G>A on transcript NM_001953.5 (MANE Select); coding-DNA position 1393, G replaced by A.
Protein change: p.Ala465Thr; replaces alanine 465 with threonine.
Molecular consequence: missense variant. On other transcripts: intron variant (2).
Genome position (GRCh38, 1-based): chr22:50,525,826, C>T on the plus strand (G>A on the coding strand, the complement: TYMP is on the minus strand). VCF-style: chr22-50525826-C-T. GRCh37 (hg19) VCF-style: chr22-50964255-C-T.
Other names: p.A465T:GCG>ACG; c.1393G>A, p.Ala465Thr (NM_001113755.3, NM_001113756.3, NM_001257988.1); c.1408G>A, p.Ala470Thr (NM_001257989.1); c.-14+420G>A (NM_001169109.2); c.-14+175G>A (NM_001169110.1); short protein forms A465T, A470T.
Identifiers: ClinVar variation 137878 (VCV000137878.38), dbSNP rs112723255, ClinGen allele CA291595.

ClinVar aggregate classification (germline): Benign/Likely benign. Review status: criteria provided, multiple submitters, no conflicts (2 of 4 stars). 13 submissions from 13 submitters: Benign (5); Likely benign (2). 6 of the submissions do not count toward it. Last evaluated 2026-02-04.

Conditions:
TYMP-related disorder. Also called: TYMP-related condition.
Mitochondrial neurogastrointestinal encephalomyopathy. Also called: Mitochondrial neurogastrointestinal encephalopathy syndrome; MNGIE syndrome; Thymidine phosphorylase deficiency. Identifiers: Orphanet 298, MedGen C0872218, MONDO:0017575.
Mitochondrial DNA depletion syndrome 1. Also called: Mitochondrial neurogastrointestinal encephalomyopathy syndrome; POLIP SYNDROME; POLYNEUROPATHY, OPHTHALMOPLEGIA, LEUKOENCEPHALOPATHY, AND INTESTINAL PSEUDOOBSTRUCTION; Mitochondrial Neurogastrointestinal Encephalopathy Disease; MITOCHONDRIAL NEUROGASTROINTESTINAL ENCEPHALOPATHY SYNDROME, TYMP-RELATED; MNGIE, TYMP-RELATED. Identifiers: Orphanet 298, MedGen C4551995, MONDO:0011283, OMIM 603041.

Allele frequency attached by ClinVar (database versions not stated): 1000 Genomes Project 30x 0.02342; TOPMed 0.03580; ESP Exome Variant Server 0.03784; 1000 Genomes Project 0.02376; gnomAD 0.04015; ExAC 0.05454; gnomAD exomes 0.04588.
gnomAD v4.1: 80,113 of 1,609,694 alleles (5%); highest among the groups gnomAD compares: Middle Eastern, 10%; 2,263 homozygotes.

Submissions (13):

Labcorp Genetics (formerly Invitae), Labcorp
Classification: Benign. Last evaluated: 2026-02-04. Review status: criteria provided, single submitter. Criteria: Invitae Variant Classification Sherloc (09022015). Collection method: clinical testing. Allele origin: germline.

Blueprint Genetics
Classification: Likely benign. Last evaluated: 2024-11-28. Review status: criteria provided, single submitter. Criteria: ACMG Guidelines, 2015. Collection method: clinical testing. Allele origin: germline.

ARUP Laboratories, Molecular Genetics and Genomics, ARUP Laboratories
Classification: Benign. Last evaluated: 2023-11-29. Review status: criteria provided, single submitter. Criteria: ARUP Molecular Germline Variant Investigation Process 2024. Collection method: clinical testing. Allele origin: germline.

Genome-Nilou Lab
Classification: Benign for Mitochondrial DNA depletion syndrome 1. Last evaluated: 2021-07-10. Review status: criteria provided, single submitter. Criteria: ACMG Guidelines, 2015. Collection method: clinical testing. Allele origin: germline. Affected: no.

Illumina Laboratory Services, Illumina
Classification: Benign for Mitochondrial DNA depletion syndrome 1. Last evaluated: 2018-03-06. Review status: criteria provided, single submitter. Criteria: ICSL Variant Classification Criteria 13 December 2019. Collection method: clinical testing. Allele origin: germline.
Comment: This variant was observed in the ICSL laboratory as part of a predisposition screen in an ostensibly healthy population. It had not been previously curated by ICSL or reported in the Human Gene Mutation Database (HGMD: prior to June 1st, 2018), and was therefore a candidate for classification through an automated scoring system. Utilizing variant allele frequency, disease prevalence and penetrance estimates, and inheritance mode, an automated score was calculated to assess if this variant is too frequent to cause the disease. Based on the score and internal cut-off values, a variant classified as benign is not then subjected to further curation. The score for this variant resulted in a classification of benign for this disease.

GeneDx
Classification: Benign. Last evaluated: 2011-07-18. Review status: criteria provided, single submitter. Criteria: GeneDx Variant Classification (06012015). Collection method: clinical testing. Allele origin: germline. Affected: yes.
Comment: This variant is considered likely benign or benign based on one or more of the following criteria: it is a conservative change, it occurs at a poorly conserved position in the protein, it is predicted to be benign by multiple in silico algorithms, and/or has population frequency not consistent with disease.

Breakthrough Genomics
Classification: Likely benign. Review status: criteria provided, single submitter. Criteria: ACMG Guidelines, 2015. Collection method: not provided. Allele origin: germline. Inheritance: Autosomal recessive inheritance. Affected: yes.

PreventionGenetics, part of Exact Sciences
Classification: Benign for TYMP-related condition. Last evaluated: 2021-04-01. Review status: no assertion criteria provided. Collection method: clinical testing. Allele origin: germline. Not counted in ClinVar's aggregate classification.
Comment: This variant is classified as benign based on ACMG/AMP sequence variant interpretation guidelines (Richards et al. 2015 PMID: 25741868, with internal and published modifications).

Natera, Inc.
Classification: Benign for Mitochondrial neurogastrointestinal encephalomyopathy. Last evaluated: 2020-09-16. Review status: no assertion criteria provided. Collection method: clinical testing. Allele origin: germline. Not counted in ClinVar's aggregate classification.

Counsyl
Classification: Benign for Mitochondrial DNA depletion syndrome 1. Last evaluated: 2017-03-06. Review status: no assertion criteria provided. Collection method: clinical testing. Allele origin: unknown. Not counted in ClinVar's aggregate classification.

Mayo Clinic Laboratories, Mayo Clinic
Classification: Benign. Last evaluated: 2016-02-23. Review status: no assertion criteria provided. Collection method: clinical testing. Allele origin: unknown. Not counted in ClinVar's aggregate classification.

Joint Genome Diagnostic Labs from Nijmegen and Maastricht, Radboudumc and MUMC+
Classification: Benign. Review status: no assertion criteria provided. Collection method: clinical testing. Allele origin: germline. Affected: yes. Study: VKGL Data-share Consensus. Not counted in ClinVar's aggregate classification.

Laboratory of Diagnostic Genome Analysis, Leiden University Medical Center (LUMC)
Classification: Likely benign. Review status: no assertion criteria provided. Collection method: clinical testing. Allele origin: germline. Affected: yes. Study: VKGL Data-share Consensus. Not counted in ClinVar's aggregate classification.